The following is an entry in ClinVar:

ClinVar aggregate classification (germline): Uncertain significance (0 of 4 stars; one submission).

Conditions:
Autism (AUTS). Also called: Autistic disorder of childhood onset; Autistic disorder. Identifiers: MedGen C0004352, MeSH D001321, MONDO:0005260, OMIM 209850, HP:0000717.

Submission:

Centre for Addiction & Mental Health
Classification: Uncertain significance for Autism. Review status: no assertion criteria provided. Collection method: research. Allele origin: biparental. Affected: yes. Observed: 1 homozygote. Segregation with disease observed.
Comment: Gene not previously associated with disease; independent supportng evidence needed

NM_001195215.2(DENND1B):c.447+1G>T

Gene: DENND1B (DENN domain containing 1B; minus strand). Cytogenetic location: 1q31.3.
Variant type: single nucleotide variant.
Coding change: c.447+1G>T on transcript NM_001195215.2 (MANE Select); the canonical splice donor site of the intron after coding-DNA position 447, G replaced by T.
Molecular consequence: splice donor variant.
Genome position (GRCh38, 1-based): chr1:197,652,234, C>A on the plus strand (G>T on the coding strand, the complement: DENND1B is on the minus strand). VCF-style: chr1-197652234-C-A. GRCh37 (hg19) VCF-style: chr1-197621364-C-A.
Other names: c.447+1G>T (NM_144977.5); c.417+1G>T (NM_001300858.2).
Identifiers: ClinVar variation 3338178 (VCV003338178.2).